The following is an entry in ClinVar:

ClinVar aggregate classification (germline): Pathogenic/Likely pathogenic. Review status: criteria provided, multiple submitters, no conflicts (2 of 4 stars). 4 submissions from 4 submitters: Pathogenic (2); Likely pathogenic (1). 1 of the submissions does not count toward it. Last evaluated 2026-01-22.

Conditions:
Fanconi anemia (FA). Also called: Fanconi's anemia. Identifiers: Orphanet 84, MedGen C0015625, MeSH D005199, MONDO:0019391.
Fanconi anemia complementation group I (FANCI). Also called: FANCI-Related Fanconi Anemia. Identifiers: Orphanet 84, MedGen C1836861, MONDO:0012186, OMIM 609053.

Allele frequency attached by ClinVar (database versions not stated): gnomAD 0.00001; gnomAD exomes 0.00001.
gnomAD v4.1: 15 of 1,613,920 alleles (0.00093%); highest among the groups gnomAD compares: African/African-American, 0.0027%; no homozygotes.

Submissions (4):

Labcorp Genetics (formerly Invitae), Labcorp
Classification: Pathogenic for Fanconi anemia. Last evaluated: 2026-01-22. Review status: criteria provided, single submitter. Criteria: Invitae Variant Classification Sherloc (09022015). Collection method: clinical testing. Allele origin: germline.
Comment: This sequence change creates a premature translational stop signal (p.Arg533*) in the FANCI gene. It is expected to result in an absent or disrupted protein product. Loss-of-function variants in FANCI are known to be pathogenic (PMID: 17452773, 17460694). This variant is present in population databases (no rsID available, gnomAD 0.005%). This variant has not been reported in the literature in individuals affected with FANCI-related conditions. ClinVar contains an entry for this variant (Variation ID: 929724). Algorithms developed to predict the effect of sequence changes on RNA splicing suggest that this variant may disrupt the consensus splice site. For these reasons, this variant has been classified as Pathogenic.

Variantyx, Inc.
Classification: Pathogenic for Fanconi anemia complementation group I. Last evaluated: 2026-01-19. Review status: criteria provided, single submitter. Criteria: Variantyx Assertion Criteria 2022. Collection method: clinical testing. Allele origin: germline. Inheritance: Autosomal recessive inheritance. Affected: yes.
Comment: This is a nonsense variant in the FANCI gene (OMIM: 611360). Pathogenic variants in this gene have been associated with autosomal recessive Fanconi anemia complementation group I. This variant introduces a premature termination codon in exon 17 out of 38 and is expected to result in loss of function, which is a known disease mechanism for FANCI in this disorder (PMID:17460694) (PVS1). Based on the current evidence, this variant is classified as pathogenic for autosomal recessive Fanconi anemia complementation group I.

Baylor Genetics
Classification: Likely pathogenic for Fanconi anemia complementation group I. Last evaluated: 2023-07-06. Review status: criteria provided, single submitter. Criteria: ACMG Guidelines, 2015. Collection method: clinical testing. Allele origin: unknown.

Leiden Open Variation Database
Classification: Pathogenic. Last evaluated: 2019-12-23. Review status: no assertion criteria provided. Collection method: curation. Allele origin: germline. Affected: yes. Not counted in ClinVar's aggregate classification.
Comment: Curator: Arleen D. Auerbach. Submitter to LOVD: Florentia Fostira.

Literature cited by the submitters: PubMed 17452773 (cited by Labcorp Genetics (formerly Invitae), Labcorp); PubMed 17460694 (cited by Labcorp Genetics (formerly Invitae), Labcorp and Variantyx, Inc.); PubMed 31300551 (cited by Leiden Open Variation Database).

NM_001113378.2(FANCI):c.1597C>T (p.Arg533Ter)

Gene: FANCI (FA complementation group I; plus strand). Cytogenetic location: 15q26.1.
Variant type: single nucleotide variant.
Coding change: c.1597C>T on transcript NM_001113378.2 (MANE Select); coding-DNA position 1597, C replaced by T.
Protein change: p.Arg533Ter; replaces arginine 533 with a stop codon.
Molecular consequence: nonsense.
Genome position (GRCh38, 1-based): chr15:89,283,149, C>T. VCF-style: chr15-89283149-C-T. GRCh37 (hg19) VCF-style: chr15-89826380-C-T.
Other names: c.1318C>T, p.Arg440Ter (NM_001376910.1); c.1597C>T, p.Arg533Ter (NM_001376911.1, NM_018193.3); short protein forms R440*, R533*.
Identifiers: ClinVar variation 929724 (VCV000929724.6), dbSNP rs1347292940, ClinGen allele CA393744918.
Genomic context (GRCh38, chr15:89,283,149, plus strand): 5'-TTCCTGTGAAATAGTACTGTTTGTTAACTTCTCTATTTCTGAGCTAGCCAGCTTGATGCC[C>T]GAAAATCTGCAGTTGCTGGGTTTTTGCTGCTCCTGAAGAACTTTAAAGTTTTAGGCAGCC-3'